The following is an entry in ClinVar:

ClinVar aggregate classification (germline): Uncertain significance (1 of 4 stars; one submission).

Submission:

CeGaT Center for Human Genetics Tuebingen
Classification: Uncertain significance. Last evaluated: 2023-05-01. Review status: criteria provided, single submitter. Criteria: CeGaT Center For Human Genetics Tuebingen Variant Classification Criteria Version 2. Collection method: clinical testing. Allele origin: germline. Affected: yes. Observed: 1 variant allele.
Comment: NRIP1: PM2

NM_003489.4(NRIP1):c.2776T>C (p.Trp926Arg)

Gene: NRIP1 (nuclear receptor interacting protein 1; minus strand). Cytogenetic location: 21q11.2.
Variant type: single nucleotide variant.
Coding change: c.2776T>C on transcript NM_003489.4 (MANE Select); coding-DNA position 2776, T replaced by C.
Protein change: p.Trp926Arg; replaces tryptophan 926 with arginine.
Molecular consequence: missense variant.
Genome position (GRCh38, 1-based): chr21:14,965,417, A>G on the plus strand (T>C on the coding strand, the complement: NRIP1 is on the minus strand). VCF-style: chr21-14965417-A-G. GRCh37 (hg19) VCF-style: chr21-16337738-A-G.
Other names: short protein forms W926R.
Identifiers: ClinVar variation 2652569 (VCV002652569.24), dbSNP rs2516244552, ClinGen allele CA409827140.